The following is an entry in ClinVar:

ClinVar aggregate classification (germline): Pathogenic/Likely pathogenic. Review status: criteria provided, multiple submitters, no conflicts (2 of 4 stars). 6 submissions from 6 submitters: Pathogenic (4); Likely pathogenic (1). 1 of the submissions does not count toward it. Last evaluated 2024-10-15.

Conditions:
Hereditary cancer-predisposing syndrome. Also called: Neoplastic Syndromes, Hereditary; Hereditary Cancer Syndrome; Tumor predisposition; Hereditary neoplastic syndrome. Identifiers: Orphanet 140162, MedGen C0027672, MeSH D009386, MONDO:0015356.
Familial cancer of breast. Also called: Hereditary breast cancer; BREAST CANCER, FAMILIAL; hereditary breast carcinoma. Identifiers: Orphanet 227535, MedGen C0346153, MONDO:0016419, OMIM 114480. Disease mechanism: loss of function.
Ataxia-telangiectasia syndrome (AT). Also called: LOUIS-BAR SYNDROME; Cerebello-oculocutaneous telangiectasia; Immunodeficiency with ataxia telangiectasia; Ataxia-telangiectasia, complementation group D; AT, COMPLEMENTATION GROUP C; Ataxia-telangiectasia, complementation group E. Identifiers: Orphanet 100, MedGen C0004135, MONDO:0008840, OMIM 208900.

Allele frequency attached by ClinVar (database versions not stated): gnomAD exomes below 0.00001.
gnomAD v4.1: 1 of 1,613,640 alleles (0.000062%); highest among the groups gnomAD compares: Non-Finnish European, 0.000085%; no homozygotes.

Submissions (6):

Labcorp Genetics (formerly Invitae), Labcorp
Classification: Pathogenic for Ataxia-telangiectasia syndrome. Last evaluated: 2024-10-15. Review status: criteria provided, single submitter. Criteria: Invitae Variant Classification Sherloc (09022015). Collection method: clinical testing. Allele origin: germline.
Comment: This sequence change creates a premature translational stop signal (p.Cys2931*) in the ATM gene. It is expected to result in an absent or disrupted protein product. Loss-of-function variants in ATM are known to be pathogenic (PMID: 23807571, 25614872). This variant is not present in population databases (gnomAD no frequency). This premature translational stop signal has been observed in individual(s) with ataxia telangiectasia and/or breast cancer (PMID: 9887333, 26556299). ClinVar contains an entry for this variant (Variation ID: 449347). For these reasons, this variant has been classified as Pathogenic.

Myriad Genetics, Inc.
Classification: Pathogenic for Familial cancer of breast. Last evaluated: 2024-02-05. Review status: criteria provided, single submitter. Criteria: Myriad Autosomal Dominant, Autosomal Recessive and X-Linked Classification Criteria (2023). Collection method: clinical testing. Allele origin: unknown.
Comment: This variant is considered pathogenic. This variant creates a termination codon and is predicted to result in premature protein truncation.

Ambry Genetics
Classification: Pathogenic for Hereditary cancer-predisposing syndrome. Last evaluated: 2022-09-13. Review status: criteria provided, single submitter. Criteria: Ambry Variant Classification Scheme 2023. Collection method: clinical testing. Allele origin: germline.
Comment: The p.C2931* pathogenic mutation (also known as c.8793T>A), located in coding exon 60 of the ATM gene, results from a T to A substitution at nucleotide position 8793. This changes the amino acid from a cysteine to a stop codon within coding exon 60. This alteration was reported in an individual with ataxia telangiectasia in conjunction with a canonical splice site alteration; however, the phase (whether in cis or trans) is not known (Sandoval N et al. Hum. Mol. Genet., 1999 Jan;8:69-79). In addition to the clinical data presented in the literature, this alteration is expected to result in loss of function by premature protein truncation or nonsense-mediated mRNA decay. As such, this alteration is interpreted as a disease-causing mutation.

Institute of Human Genetics, University of Leipzig Medical Center
Classification: Pathogenic for Familial cancer of breast. Last evaluated: 2018-10-18. Review status: criteria provided, single submitter. Criteria: ACMG Guidelines, 2015. Collection method: clinical testing. Allele origin: germline. Affected: yes. Observed: 1 variant allele.

GeneDx
Classification: Likely pathogenic. Last evaluated: 2017-04-20. Review status: criteria provided, single submitter. Criteria: GeneDx Variant Classification (06012015). Collection method: clinical testing. Allele origin: germline. Affected: yes.
Comment: This variant is denoted ATM c.8793T>A at the cDNA level and p.Cys2931Ter (C2931X) at the protein level. The substitution creates a nonsense variant, which changes a Cysteine to a premature stop codon (TGT>TGA), and is predicted to cause loss of normal protein function through either protein truncation or nonsense-mediated mRNA decay. This variant has been reported in an individual with Ataxia-telangiectasia who also carried a canonical splice variant in ATM; however, phase was not determined (Sandoval 1999). Based on currently available evidence, we consider ATM c.8793T>A to be a likely pathogenic variant.

BRCAlab, Lund University
Classification: Pathogenic for Familial cancer of breast. Last evaluated: 2022-08-26. Review status: no assertion criteria provided. Collection method: clinical testing. Allele origin: germline. Affected: yes. Not counted in ClinVar's aggregate classification.

Literature cited by the submitters: PubMed 23807571 (cited by Labcorp Genetics (formerly Invitae), Labcorp); PubMed 25614872 (cited by Labcorp Genetics (formerly Invitae), Labcorp); PubMed 9887333 (cited by Labcorp Genetics (formerly Invitae), Labcorp and Ambry Genetics); PubMed 26556299 (cited by Labcorp Genetics (formerly Invitae), Labcorp).

NM_000051.4(ATM):c.8793T>A (p.Cys2931Ter)

Genes: ATM (ATM serine/threonine kinase; plus strand), C11orf65 (chromosome 11 open reading frame 65; minus strand). Cytogenetic location: 11q22.3.
Variant type: single nucleotide variant.
Coding change: c.8793T>A on transcript NM_000051.4 (MANE Select); coding-DNA position 8793, T replaced by A.
Protein change: p.Cys2931Ter; replaces cysteine 2931 with a stop codon.
Molecular consequence: nonsense. On other transcripts: intron variant (2).
Genome position (GRCh38, 1-based): chr11:108,354,817, T>A. VCF-style: chr11-108354817-T-A. GRCh37 (hg19) VCF-style: chr11-108225544-T-A.
Other names: c.8793T>A, p.Cys2931Ter (NM_001351834.2); c.640+31103A>T (NM_001330368.2); c.695-19525A>T (NM_001351110.2); short protein forms C2931*.
Identifiers: ClinVar variation 449347 (VCV000449347.35), dbSNP rs1555143494, ClinGen allele CA382525570.
Genomic context (GRCh38, chr11:108,354,817, plus strand): 5'-GTTGACAACATTGGTGTGTAACAAAATCCGTATTTATAATGTGTTTGACTCTAGATGCTG[T>A]GAGAAAACCATGGAAGTGATGAGAAACTCTCAGGAAACTCTGTTAACCATTGTAGAGGTA-3'